The following is an entry in ClinVar:

ClinVar aggregate classification (germline): Uncertain significance (1 of 4 stars; one submission).

Submission:

Labcorp Genetics (formerly Invitae), Labcorp
Classification: Uncertain significance. Last evaluated: 2024-09-24. Review status: criteria provided, single submitter. Criteria: Invitae Variant Classification Sherloc (09022015). Collection method: clinical testing. Allele origin: germline.
Comment: This sequence change replaces valine, which is neutral and non-polar, with alanine, which is neutral and non-polar, at codon 641 of the MYH14 protein (p.Val641Ala). This variant is present in population databases (no rsID available, gnomAD 0.001%). This variant has not been reported in the literature in individuals affected with MYH14-related conditions. An algorithm developed to predict the effect of missense changes on protein structure and function (PolyPhen-2) suggests that this variant is likely to be tolerated. In summary, the available evidence is currently insufficient to determine the role of this variant in disease. Therefore, it has been classified as a Variant of Uncertain Significance.

NM_001145809.2(MYH14):c.2045T>C (p.Val682Ala)

Gene: MYH14 (myosin heavy chain 14; plus strand). Cytogenetic location: 19q13.33.
Variant type: single nucleotide variant.
Coding change: c.2045T>C on transcript NM_001145809.2 (MANE Select); coding-DNA position 2045, T replaced by C.
Protein change: p.Val682Ala; replaces valine 682 with alanine.
Molecular consequence: missense variant.
Genome position (GRCh38, 1-based): chr19:50,257,299, T>C. VCF-style: chr19-50257299-T-C. GRCh37 (hg19) VCF-style: chr19-50760556-T-C.
Other names: c.1946T>C, p.Val649Ala (NM_001077186.2); c.1922T>C, p.Val641Ala (NM_024729.4); short protein forms V641A, V649A, V682A.
Identifiers: ClinVar variation 3607126 (VCV003607126.2).